The following is an entry in ClinVar:

NM_000393.5(COL5A2):c.315C>A (p.Thr105=)

Gene: COL5A2 (collagen type V alpha 2 chain; minus strand). Cytogenetic location: 2q32.2.
Variant type: single nucleotide variant.
Coding change: c.315C>A on transcript NM_000393.5 (MANE Select); coding-DNA position 315, C replaced by A.
Protein change: p.Thr105=; no amino-acid change (threonine 105 retained).
Molecular consequence: synonymous variant.
Genome position (GRCh38, 1-based): chr2:189,110,232, G>T on the plus strand (C>A on the coding strand, the complement: COL5A2 is on the minus strand). VCF-style: chr2-189110232-G-T. GRCh37 (hg19) VCF-style: chr2-189974958-G-T.
Other names: p.Thr105=; c.315C>A (NM_000393.4).
Identifiers: ClinVar variation 439539 (VCV000439539.37), dbSNP rs4128539, ClinGen allele CA2023156.

ClinVar aggregate classification (germline): Benign. Review status: criteria provided, multiple submitters, no conflicts (2 of 4 stars). 9 submissions from 9 submitters: Benign (7). 2 of the submissions do not count toward it. Last evaluated 2026-02-04.

Conditions:
Ehlers-Danlos syndrome, classic type, 2 (EDSCL2). Also called: Ehlers-Danlos Syndrome, Classic Type, COL5A2-Related; Ehlers-Danlos syndrome, type 2; Ehlers-Danlos syndrome type 2 (formerly). Identifiers: Orphanet 287, Orphanet 90318, MedGen C0268336, MONDO:0019568, OMIM 130010.
Ehlers-Danlos syndrome, classic type, 1 (EDSCL1). Also called: Ehlers-Danlos Syndrome, Classic Type, COL5A1-Related; EHLERS-DANLOS SYNDROME, GRAVIS TYPE; EHLERS-DANLOS SYNDROME, SEVERE CLASSIC TYPE; Ehlers-Danlos syndrome, type 1; EDS I. Identifiers: MedGen C0268335, MONDO:0019567, OMIM 130000.

Allele frequency attached by ClinVar (database versions not stated): 1000 Genomes Project 30x 0.88429; 1000 Genomes Project 0.88858; TOPMed 0.91789; gnomAD exomes 0.93046 and 0.96448; gnomAD 0.93081 and 0.93266; ExAC 0.93220; ESP Exome Variant Server 0.93995.
gnomAD v4.1: 1,549,628 of 1,612,522 alleles (96%); highest among the groups gnomAD compares: Non-Finnish European, 98%; 746,605 homozygotes.

Submissions (9):

Labcorp Genetics (formerly Invitae), Labcorp
Classification: Benign for Ehlers-Danlos syndrome, classic type, 1. Last evaluated: 2026-02-04. Review status: criteria provided, single submitter. Criteria: Invitae Variant Classification Sherloc (09022015). Collection method: clinical testing. Allele origin: germline.

ARUP Laboratories, Molecular Genetics and Genomics, ARUP Laboratories
Classification: Benign for Ehlers-Danlos syndrome, classic type, 2. Last evaluated: 2025-07-29. Review status: criteria provided, single submitter. Criteria: ARUP Molecular Germline Variant Investigation Process 2024. Collection method: clinical testing. Allele origin: germline.

Molecular Diagnostic Laboratory for Inherited Cardiovascular Disease, Montreal Heart Institute
Classification: Benign. Last evaluated: 2025-04-09. Review status: criteria provided, single submitter. Criteria: ACMG Guidelines, 2015. Collection method: clinical testing. Allele origin: germline. Affected: no.
Comment: BA1

Blueprint Genetics
Classification: Benign. Last evaluated: 2024-11-26. Review status: criteria provided, single submitter. Criteria: ACMG Guidelines, 2015. Collection method: clinical testing. Allele origin: germline.

Genome-Nilou Lab
Classification: Benign for Ehlers-Danlos syndrome, classic type, 2. Last evaluated: 2021-07-30. Review status: criteria provided, single submitter. Criteria: ACMG Guidelines, 2015. Collection method: clinical testing. Allele origin: germline. Affected: no.

Mayo Clinic Laboratories, Mayo Clinic
Classification: Benign. Last evaluated: 2017-11-07. Review status: criteria provided, single submitter. Criteria: ACMG Guidelines, 2015. Collection method: clinical testing. Allele origin: germline. Observed: 5,372 variant alleles.

Breakthrough Genomics
Classification: Benign. Review status: criteria provided, single submitter. Criteria: ACMG Guidelines, 2015. Collection method: not provided. Allele origin: germline. Inheritance: Autosomal dominant inheritance. Affected: yes.

Diagnostic Laboratory, Department of Genetics, University Medical Center Groningen
Classification: Benign. Review status: no assertion criteria provided. Collection method: clinical testing. Allele origin: germline. Affected: yes. Study: VKGL Data-share Consensus. Not counted in ClinVar's aggregate classification.

Genome Diagnostics Laboratory, Amsterdam University Medical Center
Classification: Benign. Review status: no assertion criteria provided. Collection method: clinical testing. Allele origin: germline. Affected: yes. Study: VKGL Data-share Consensus. Not counted in ClinVar's aggregate classification.